The following is an entry in ClinVar:

ClinVar aggregate classification (germline): Benign/Likely benign. Review status: criteria provided, multiple submitters, no conflicts (2 of 4 stars). 3 submissions from 3 submitters: Benign (1); Likely benign (2). Last evaluated 2026-07-01.

Allele frequency attached by ClinVar (database versions not stated): ESP Exome Variant Server 0.00284; TOPMed 0.00318; 1000 Genomes Project 30x 0.00390; 1000 Genomes Project 0.00459.
gnomAD v4.1: 926 of 1,611,546 alleles (0.057%); highest among the groups gnomAD compares: African/African-American, 0.99%; 4 homozygotes.

Submissions (3):

CeGaT Center for Human Genetics Tuebingen
Classification: Likely benign. Last evaluated: 2026-07-01. Review status: criteria provided, single submitter. Criteria: CeGaT Center For Human Genetics Tuebingen Variant Classification Criteria Version 2. Collection method: clinical testing. Allele origin: germline. Affected: yes. Observed: 5 variant alleles.
Comment: KCNQ2: BP4, BP7, BS1

Blueprint Genetics
Classification: Likely benign. Last evaluated: 2024-11-01. Review status: criteria provided, single submitter. Criteria: ACMG Guidelines, 2015. Collection method: clinical testing. Allele origin: germline.

GeneDx
Classification: Benign. Last evaluated: 2013-01-02. Review status: criteria provided, single submitter. Criteria: GeneDx Variant Classification (06012015). Collection method: clinical testing. Allele origin: germline. Affected: yes.
Comment: This variant is considered likely benign or benign based on one or more of the following criteria: it is a conservative change, it occurs at a poorly conserved position in the protein, it is predicted to be benign by multiple in silico algorithms, and/or has population frequency not consistent with disease.

NM_172107.4(KCNQ2):c.1118+69C>A

Gene: KCNQ2 (potassium voltage-gated channel subfamily Q member 2; minus strand). Cytogenetic location: 20q13.33.
Variant type: single nucleotide variant.
Coding change: c.1118+69C>A on transcript NM_172107.4 (MANE Select); 69 bases into the intron after coding-DNA position 1118, C replaced by A.
Molecular consequence: intron variant. On other transcripts: 3 prime UTR variant (1).
Genome position (GRCh38, 1-based): chr20:63,433,740, G>T on the plus strand (C>A on the coding strand, the complement: KCNQ2 is on the minus strand). VCF-style: chr20-63433740-G-T. GRCh37 (hg19) VCF-style: chr20-62065093-G-T.
Other names: c.*5C>A (NM_172109.3); c.1118+69C>A (NM_004518.6, NM_172108.5, NM_172106.3).
Identifiers: ClinVar variation 138019 (VCV000138019.26), dbSNP rs142571798, ClinGen allele CA291791.